The following is an entry in ClinVar:

NM_178822.5(IGSF10):c.165C>G (p.Ile55Met)

Gene: IGSF10 (immunoglobulin superfamily member 10; minus strand). Cytogenetic location: 3q25.1.
Variant type: single nucleotide variant.
Coding change: c.165C>G on transcript NM_178822.5 (MANE Select); coding-DNA position 165, C replaced by G.
Protein change: p.Ile55Met; replaces isoleucine 55 with methionine.
Molecular consequence: missense variant.
Genome position (GRCh38, 1-based): chr3:151,458,545, G>C on the plus strand (C>G on the coding strand, the complement: IGSF10 is on the minus strand). VCF-style: chr3-151458545-G-C. GRCh37 (hg19) VCF-style: chr3-151176333-G-C.
Other names: c.165C>G, p.Ile55Met (NM_001385060.1, NM_001385061.1, NM_001385062.1 and 1 more transcripts); short protein forms I55M.
Identifiers: ClinVar variation 2995809 (VCV002995809.3), dbSNP rs138198267, ClinGen allele CA2670865.
Genomic context (GRCh38, chr3:151,458,545, plus strand): 5'-TTGAGAAGAGGAAACATGAGGTCTCACACACCCTAAATTGATGCGTTCCACATTGGGCGG[G>C]ATGCTGTCTGGGATGGAAGTCAGGTACCGAAATGTGCAGTGTACCTCCGTAGGCATATAA-3'
Protein context (NP_849144.2, residues 45-65): FRYLTSIPDS[Ile55Met]PPNVERINLG

ClinVar aggregate classification (germline): Uncertain significance (1 of 4 stars; one submission).

gnomAD v4.1: 13 of 1,614,038 alleles (0.00081%); highest among the groups gnomAD compares: Non-Finnish European, 0.0011%; no homozygotes.

Submission:

Labcorp Genetics (formerly Invitae), Labcorp
Classification: Uncertain significance. Last evaluated: 2023-09-22. Review status: criteria provided, single submitter. Criteria: Invitae Variant Classification Sherloc (09022015). Collection method: clinical testing. Allele origin: germline.
Comment: This sequence change replaces isoleucine, which is neutral and non-polar, with methionine, which is neutral and non-polar, at codon 55 of the IGSF10 protein (p.Ile55Met). This variant is present in population databases (rs138198267, gnomAD 0.002%). This variant has not been reported in the literature in individuals affected with IGSF10-related conditions. An algorithm developed to predict the effect of missense changes on protein structure and function (PolyPhen-2) suggests that this variant is likely to be disruptive. In summary, the available evidence is currently insufficient to determine the role of this variant in disease. Therefore, it has been classified as a Variant of Uncertain Significance.